The following is an entry in ClinVar:

NM_000038.6(APC):c.3367C>T (p.Gln1123Ter)

Gene: APC (APC regulator of Wnt signaling pathway; plus strand). Cytogenetic location: 5q22.2.
Variant type: single nucleotide variant.
Coding change: c.3367C>T on transcript NM_000038.6 (MANE Select); coding-DNA position 3367, C replaced by T.
Protein change: p.Gln1123Ter; replaces glutamine 1123 with a stop codon.
Molecular consequence: nonsense.
Genome position (GRCh38, 1-based): chr5:112,838,961, C>T. VCF-style: chr5-112838961-C-T. GRCh37 (hg19) VCF-style: chr5-112174658-C-T.
Other names: c.3367C>T, p.Gln1123Ter (NM_001127510.3, NM_001354895.2); c.3313C>T, p.Gln1105Ter (NM_001127511.3); c.3421C>T, p.Gln1141Ter (NM_001354896.2); c.3397C>T, p.Gln1133Ter (NM_001354897.2); c.3292C>T, p.Gln1098Ter (NM_001354898.2); c.3283C>T, p.Gln1095Ter (NM_001354899.2); c.3244C>T, p.Gln1082Ter (NM_001354900.2); c.3190C>T, p.Gln1064Ter (NM_001354901.2); and 5 more; short protein forms Q1064*, Q1095*, Q1098*, Q1123*, Q1133*, Q963*, Q1032*, Q1082*.
Identifiers: ClinVar variation 823671 (VCV000823671.6), dbSNP rs1580634617, ClinGen allele CA16028711.
Genomic context (GRCh38, chr5:112,838,961, plus strand): 5'-AGGTCACGGGGAGCCAATGGTTCAGAAACAAATCGAGTGGGTTCTAATCATGGAATTAAT[C>T]AAAATGTAAGCCAGTCTTTGTGTCAAGAAGATGACTATGAAGATGATAAGCCTACCAATT-3'

ClinVar aggregate classification (germline): Pathogenic. Review status: criteria provided, multiple submitters, no conflicts (2 of 4 stars). 2 submissions from 2 submitters: Pathogenic (2). Last evaluated 2023-05-08.

Conditions:
Hereditary cancer-predisposing syndrome. Also called: Neoplastic Syndromes, Hereditary; Tumor predisposition; Hereditary neoplastic syndrome; Hereditary Cancer Syndrome. Identifiers: Orphanet 140162, MedGen C0027672, MeSH D009386, MONDO:0015356.
Familial adenomatous polyposis 1 (FAP1). Also called: POLYPOSIS, ADENOMATOUS INTESTINAL; FAMILIAL ADENOMATOUS POLYPOSIS 1, ATTENUATED. Identifiers: MedGen C2713442, MONDO:0021056, OMIM 175100. Disease mechanism: loss of function.

Submissions (2):

Myriad Genetics, Inc.
Classification: Pathogenic for Familial adenomatous polyposis 1. Last evaluated: 2023-05-08. Review status: criteria provided, single submitter. Criteria: Myriad Autosomal Dominant, Autosomal Recessive and X-Linked Classification Criteria (2023). Collection method: clinical testing. Allele origin: unknown.
Comment: This variant is considered pathogenic. This variant creates a termination codon and is predicted to result in premature protein truncation.

Ambry Genetics
Classification: Pathogenic for Hereditary cancer-predisposing syndrome. Last evaluated: 2019-11-01. Review status: criteria provided, single submitter. Criteria: Ambry Variant Classification Scheme 2023. Collection method: clinical testing. Allele origin: germline.
Comment: The p.Q1123* pathogenic mutation (also known as c.3367C>T), located in coding exon 15 of the APC gene, results from a C to T substitution at nucleotide position 3367. This changes the amino acid from a glutamine to a stop codon within coding exon 15. This alteration has been reported in multiple probands affected by familial adenomatous polyposis (FAP) (Resta N et al. Hum. Mutat., 2001 May;17:434-5; De Rosa M et al. Hum. Mutat., 2004 May;23:523-4; Rivera B et al. Ann. Oncol., 2011 Apr;22:903-9). In addition to the clinical data presented in the literature, this alteration is expected to result in loss of function by premature protein truncation. As such, this alteration is interpreted as a disease-causing mutation.

Literature cited by the submitters: PubMed 11317365 (cited by Ambry Genetics); PubMed 15108288 (cited by Ambry Genetics); PubMed 20924072 (cited by Ambry Genetics).